The following is an entry in ClinVar:

ClinVar aggregate classification (germline): Likely pathogenic. Review status: criteria provided, multiple submitters, no conflicts (2 of 4 stars). 2 submissions from 2 submitters: Likely pathogenic (2). Last evaluated 2026-01-09.

Conditions:
Joint hypermobility. Also called: Joint hyperflexibility. Identifiers: MedGen C1862377, HP:0001382.

Submissions (2):

Clinical Genetics Laboratory, Skane University Hospital Lund
Classification: Likely pathogenic for Joint hypermobility. Last evaluated: 2026-01-09. Review status: criteria provided, single submitter. Criteria: ACMG Guidelines, 2015. Collection method: clinical testing. Allele origin: germline. Affected: yes.
Comment: Found in a heterozygous state, no compound partner detected. ACMG criteria applied: PVS1, PM2.

Center for Genomic Medicine, Rigshospitalet, Copenhagen University Hospital
Classification: Likely pathogenic. Last evaluated: 2025-03-04. Review status: criteria provided, single submitter. Criteria: ACMG Guidelines, 2015. Collection method: clinical testing. Allele origin: germline.

Literature cited by the submitters: PubMed 28344932 (cited by Center for Genomic Medicine, Rigshospitalet, Copenhagen University Hospital); PubMed 15733269 (cited by Center for Genomic Medicine, Rigshospitalet, Copenhagen University Hospital).

NM_001365276.2(TNXB):c.5767C>T (p.Gln1923Ter)

Gene: TNXB (tenascin XB; minus strand). Cytogenetic location: 6p21.33.
Variant type: single nucleotide variant.
Coding change: c.5767C>T on transcript NM_001365276.2 (MANE Select); coding-DNA position 5767, C replaced by T.
Protein change: p.Gln1923Ter; replaces glutamine 1923 with a stop codon.
Molecular consequence: nonsense.
Genome position (GRCh38, 1-based): chr6:32,068,957, G>A on the plus strand (C>T on the coding strand, the complement: TNXB is on the minus strand). VCF-style: chr6-32068957-G-A. GRCh37 (hg19) VCF-style: chr6-32036734-G-A.
Other names: c.6508C>T, p.Gln2170Ter (NM_001428335.1); c.5767C>T, p.Gln1923Ter (NM_019105.8); short protein forms Q1923*, Q2170*.
Identifiers: ClinVar variation 3765424 (VCV003765424.2).